The following is an entry in ClinVar:

ClinVar aggregate classification (germline): Uncertain significance (1 of 4 stars; one submission).

Submission:

Ambry Genetics
Classification: Uncertain significance. Last evaluated: 2024-05-31. Review status: criteria provided, single submitter. Criteria: Ambry Variant Classification Scheme 2023. Collection method: clinical testing. Allele origin: germline.
Comment: The p.I1663M variant (also known as c.4989A>G), located in coding exon 16 of the POLQ gene, results from an A to G substitution at nucleotide position 4989. The isoleucine at codon 1663 is replaced by methionine, an amino acid with highly similar properties. This amino acid position is conserved. In addition, this alteration is predicted to be tolerated by in silico analysis. Based on the available evidence, the clinical significance of this variant remains unclear.

NM_199420.4(POLQ):c.4989A>G (p.Ile1663Met)

Gene: POLQ (DNA polymerase theta; minus strand). Cytogenetic location: 3q13.33.
Variant type: single nucleotide variant.
Coding change: c.4989A>G on transcript NM_199420.4 (MANE Select); coding-DNA position 4989, A replaced by G.
Protein change: p.Ile1663Met; replaces isoleucine 1663 with methionine.
Molecular consequence: missense variant.
Genome position (GRCh38, 1-based): chr3:121,487,942, T>C on the plus strand (A>G on the coding strand, the complement: POLQ is on the minus strand). VCF-style: chr3-121487942-T-C. GRCh37 (hg19) VCF-style: chr3-121206789-T-C.
Other names: short protein forms I1663M.
Identifiers: ClinVar variation 3308545 (VCV003308545.1).